The following is an entry in ClinVar:

ClinVar aggregate classification (germline): Conflicting classifications of pathogenicity. Review status: criteria provided, conflicting classifications (1 of 4 stars). 5 submissions from 5 submitters: Uncertain significance (3); Likely benign (2). Last evaluated 2024-11-07.

Conditions:
PCDH15-related disorder. Also called: PCDH15-related disorders; PCDH15-related condition.

Submissions (5):

PreventionGenetics, part of Exact Sciences
Classification: Likely benign for PCDH15-related condition. Last evaluated: 2024-11-07. Review status: criteria provided, single submitter. Criteria: ACMG Guidelines, 2015. Collection method: clinical testing. Allele origin: germline.
Comment: This variant is classified as likely benign based on ACMG/AMP sequence variant interpretation guidelines (Richards et al. 2015 PMID: 25741868, with internal and published modifications).

Blueprint Genetics
Classification: Likely benign. Last evaluated: 2024-08-12. Review status: criteria provided, single submitter. Criteria: ACMG Guidelines, 2015. Collection method: clinical testing. Allele origin: germline.

GeneDx
Classification: Uncertain significance. Last evaluated: 2024-03-10. Review status: criteria provided, single submitter. Criteria: GeneDx Variant Classification Process June 2021. Collection method: clinical testing. Allele origin: germline. Affected: yes.
Comment: In silico analysis supports that this variant does not alter splicing; Reported using an alternate transcript of the gene; Has not been previously published as pathogenic or benign to our knowledge

Clinical Genetics Laboratory, Skane University Hospital Lund
Classification: Uncertain significance. Last evaluated: 2023-09-26. Review status: criteria provided, single submitter. Criteria: ACMG Guidelines, 2015. Collection method: clinical testing. Allele origin: germline. Affected: yes.

Eurofins Ntd Llc (ga)
Classification: Uncertain significance. Last evaluated: 2017-04-20. Review status: criteria provided, single submitter. Criteria: EGL Classification Definitions 2015. Collection method: clinical testing. Allele origin: germline. Observed: 1 variant allele, 1 heterozygote.

NM_001384140.1(PCDH15):c.4672-4_4672-2dup

Gene: PCDH15 (protocadherin related 15; minus strand). Cytogenetic location: 10q21.1.
Variant type: Duplication.
Coding change: c.4672-4_4672-2dup on transcript NM_001384140.1 (MANE Select); 4 bases into the intron before coding-DNA position 4672 through the canonical splice acceptor site of the intron before coding-DNA position 4672, 3 bases duplicated (TCA; older notation c.4672-4_4672-2dupTCA).
Molecular consequence: splice acceptor variant.
Genome position (GRCh38, 1-based): chr10:53,807,132-53,807,134, TGA duplicated on the plus strand (TCA on the coding strand, the reverse complement: PCDH15 is on the minus strand); duplicating any 3 consecutive bases within chr10:53,807,132-53,807,135 gives the same sequence; the c. name uses the placement nearest the transcript's 3' end. VCF-style (leftmost placement, unchanged base first): chr10-53807131-C-CTGA. GRCh37 (hg19) VCF-style: chr10-55566891-C-CTGA.
Other names: c.4606-4_4606-2dupTCA (NM_001354429.1); c.4477-4_4477-2dup (NM_001354420.2); c.4606-4_4606-2dup (NM_001354429.2); c.4483-4_4483-2dup (NM_001142772.2); c.4498-4_4498-2dup (NM_001142771.2).
Identifiers: ClinVar variation 501244 (VCV000501244.9), dbSNP rs773129893, ClinGen allele CA5504630.
Genomic context (GRCh38, chr10:53,807,131, plus strand): 5'-AGTTGAGCTGGTTTCATACTCTCGATCAACAACTAACTTGATCATTCTTTTTCTTGCCCA[C>CTGA]TGATAAAATAAACAAAAATATGTGAGTCACTATCAAATAAATTAAAAAGGCAATGATTAC-3'